The following is an entry in ClinVar:

NM_002615.7(SERPINF1):c.113C>T (p.Ala38Val)

Genes: SERPINF1 (serpin family F member 1; plus strand), LOC130059891 (ATAC-STARR-seq lymphoblastoid active region 11456; plus strand). Cytogenetic location: 17p13.3.
Variant type: single nucleotide variant.
Coding change: c.113C>T on transcript NM_002615.7 (MANE Select); coding-DNA position 113, C replaced by T.
Protein change: p.Ala38Val; replaces alanine 38 with valine.
Molecular consequence: missense variant. On other transcripts: 5 prime UTR variant (1).
Genome position (GRCh38, 1-based): chr17:1,769,880, C>T. VCF-style: chr17-1769880-C-T. GRCh37 (hg19) VCF-style: chr17-1673174-C-T.
Other names: c.113C>T, p.Ala38Val (NM_001329903.2); c.-449C>T (NM_001329904.2); c.113C>T (NM_002615.5); short protein forms A38V.
Identifiers: ClinVar variation 1349154 (VCV001349154.6), dbSNP rs902098621, ClinGen allele CA286843246.

ClinVar aggregate classification (germline): Conflicting classifications of pathogenicity. Review status: criteria provided, conflicting classifications (1 of 4 stars). 2 submissions from 2 submitters: Uncertain significance (1); Likely benign (1). Last evaluated 2022-09-14.

Conditions:
Inborn genetic diseases. Identifiers: MedGen C0950123, MeSH D030342.

Allele frequency attached by ClinVar (database versions not stated): gnomAD 0.00011 and 0.00014; TOPMed 0.00012.
gnomAD v4.1: 39 of 1,614,074 alleles (0.0024%); highest among the groups gnomAD compares: African/African-American, 0.028%; no homozygotes.

Submissions (2):

Ambry Genetics
Classification: Likely benign for Inborn genetic diseases. Last evaluated: 2022-09-14. Review status: criteria provided, single submitter. Criteria: Ambry Variant Classification Scheme 2023. Collection method: clinical testing. Allele origin: germline.

Labcorp Genetics (formerly Invitae), Labcorp
Classification: Uncertain significance. Last evaluated: 2022-02-05. Review status: criteria provided, single submitter. Criteria: Invitae Variant Classification Sherloc (09022015). Collection method: clinical testing. Allele origin: germline.
Comment: This sequence change replaces alanine, which is neutral and non-polar, with valine, which is neutral and non-polar, at codon 38 of the SERPINF1 protein (p.Ala38Val). This variant is present in population databases (no rsID available, gnomAD 0.02%). This variant has not been reported in the literature in individuals affected with SERPINF1-related conditions. Algorithms developed to predict the effect of missense changes on protein structure and function output the following: SIFT: "Not Available"; PolyPhen-2: "Benign"; Align-GVGD: "Not Available". The valine amino acid residue is found in multiple mammalian species, which suggests that this missense change does not adversely affect protein function. In summary, the available evidence is currently insufficient to determine the role of this variant in disease. Therefore, it has been classified as a Variant of Uncertain Significance.